The following is an entry in ClinVar:

NM_005120.3(MED12):c.1434C>G (p.Asp478Glu)

Genes: MED12 (mediator complex subunit 12; plus strand), LOC126863275 (BRD4-independent group 4 enhancer GRCh37_chrX:70342400-70343599; plus strand). Cytogenetic location: Xq13.1.
Variant type: single nucleotide variant.
Coding change: c.1434C>G on transcript NM_005120.3 (MANE Select); coding-DNA position 1434, C replaced by G.
Protein change: p.Asp478Glu; replaces aspartic acid 478 with glutamic acid.
Molecular consequence: missense variant.
Genome position (GRCh38, 1-based): chrX:71,122,823, C>G. VCF-style: chrX-71122823-C-G. GRCh37 (hg19) VCF-style: chrX-70342673-C-G.
Other names: short protein forms D478E.
Identifiers: ClinVar variation 2707972 (VCV002707972.3), dbSNP rs2147785352, ClinGen allele CA413506683.

ClinVar aggregate classification (germline): Uncertain significance (1 of 4 stars; one submission).

Conditions:
FG syndrome (FGS). Identifiers: MedGen C0220769, MONDO:0002010.

Submission:

Labcorp Genetics (formerly Invitae), Labcorp
Classification: Uncertain significance for FG syndrome. Last evaluated: 2024-01-06. Review status: criteria provided, single submitter. Criteria: Invitae Variant Classification Sherloc (09022015). Collection method: clinical testing. Allele origin: germline.
Comment: This sequence change replaces aspartic acid, which is acidic and polar, with glutamic acid, which is acidic and polar, at codon 478 of the MED12 protein (p.Asp478Glu). This variant is not present in population databases (gnomAD no frequency). This variant has not been reported in the literature in individuals affected with MED12-related conditions. Advanced modeling of protein sequence and biophysical properties (such as structural, functional, and spatial information, amino acid conservation, physicochemical variation, residue mobility, and thermodynamic stability) performed at Invitae indicates that this missense variant is not expected to disrupt MED12 protein function with a negative predictive value of 95%. In summary, the available evidence is currently insufficient to determine the role of this variant in disease. Therefore, it has been classified as a Variant of Uncertain Significance.